The following is an entry in ClinVar:

ClinVar aggregate classification (germline): Uncertain significance (1 of 4 stars; one submission).

Conditions:
BBS1-related disorder. Also called: BBS1-related condition.

gnomAD v4.1: 18 of 1,614,078 alleles (0.0011%); highest among the groups gnomAD compares: Non-Finnish European, 0.0015%; no homozygotes.

Submission:

PreventionGenetics, part of Exact Sciences
Classification: Uncertain significance for BBS1-related condition. Last evaluated: 2026-08-18. Review status: criteria provided, single submitter. Criteria: ACMG Guidelines, 2015. Collection method: clinical testing. Allele origin: germline.
Comment: The BBS1 c.583A>G variant is predicted to result in the amino acid substitution p.Lys195Glu. To our knowledge, this variant has not been reported in the literature. This variant is reported in 0.0046% of alleles in individuals of European (Non-Finnish) descent in gnomAD. At this time, the clinical significance of this variant is uncertain due to the absence of conclusive functional and genetic evidence.

NM_024649.5(BBS1):c.583A>G (p.Lys195Glu)

Gene: BBS1 (Bardet-Biedl syndrome 1; plus strand). Cytogenetic location: 11q13.2.
Variant type: single nucleotide variant.
Coding change: c.583A>G on transcript NM_024649.5 (MANE Select); coding-DNA position 583, A replaced by G.
Protein change: p.Lys195Glu; replaces lysine 195 with glutamic acid.
Molecular consequence: missense variant.
Genome position (GRCh38, 1-based): chr11:66,515,925, A>G. VCF-style: chr11-66515925-A-G. GRCh37 (hg19) VCF-style: chr11-66283396-A-G.
Other names: short protein forms K195E.
Identifiers: ClinVar variation 4977297 (VCV004977297.1).